The following is an entry in ClinVar:

NM_000439.5(PCSK1):c.928G>A (p.Gly310Arg)

Genes: CAST (calpastatin; plus strand), PCSK1 (proprotein convertase subtilisin/kexin type 1; minus strand), LOC101929710 (uncharacterized LOC101929710; plus strand). Cytogenetic location: 5q15.
Variant type: single nucleotide variant.
Coding change: c.928G>A on transcript NM_000439.5 (MANE Select); coding-DNA position 928, G replaced by A.
Protein change: p.Gly310Arg; replaces glycine 310 with arginine.
Molecular consequence: missense variant. On other transcripts: intron variant (11).
Genome position (GRCh38, 1-based): chr5:96,410,941, C>T on the plus strand (G>A on the coding strand, the complement: PCSK1 is on the minus strand). VCF-style: chr5-96410941-C-T. GRCh37 (hg19) VCF-style: chr5-95746645-C-T.
Other names: c.787G>A, p.Gly263Arg (NM_001177875.2); c.-175+31289C>T (NM_001423254.1, NM_001423259.1, NM_001423255.1 and 6 more transcripts); c.-103+31289C>T (NM_001423253.1); c.-40+31289C>T (NM_001423258.1); short protein forms G263R, G310R.
Identifiers: ClinVar variation 3377110 (VCV003377110.2).
Genomic context (GRCh38, chr5:96,410,941, plus strand): 5'-AGATGGTGTAGATGCTGTCTGTGTAGCCATCACAGTCACAATTATCTCCCTGACGCCCCC[C>T]GTTTCCCGAAGCCCAGACGAAGATGGACCCCTTCCCCTGTCTCCCCTAAAGGAAAAGCCA-3'
Protein context (NP_000430.3, residues 300-320): GSIFVWASGN[Gly310Arg]GRQGDNCDCD

ClinVar aggregate classification (germline): Uncertain significance. Review status: criteria provided, multiple submitters, no conflicts (2 of 4 stars). 2 submissions from 2 submitters: Uncertain significance (2). Last evaluated 2026-03-12.

Conditions:
Obesity due to prohormone convertase I deficiency. Also called: OBESITY AND ENDOCRINOPATHY DUE TO IMPAIRED PROCESSING OF PROHORMONES. Identifiers: Orphanet 71528, MedGen C1833053, MONDO:0010961, OMIM 600955.
PCSK1-related disorder. Also called: PCSK1-related condition.

gnomAD v4.1: 16 of 1,613,914 alleles (0.00099%); highest among the groups gnomAD compares: African/African-American, 0.0013%; no homozygotes.

Submissions (2):

PreventionGenetics, part of Exact Sciences
Classification: Uncertain significance for PCSK1-related condition. Last evaluated: 2026-03-12. Review status: criteria provided, single submitter. Criteria: ACMG Guidelines, 2015. Collection method: clinical testing. Allele origin: germline.
Comment: The PCSK1 c.928G>A variant is predicted to result in the amino acid substitution p.Gly310Arg. To our knowledge, this variant has not been reported in the literature. This variant is reported in 0.0040% of alleles in individuals of European (Finnish) descent in gnomAD. At this time, the clinical significance of this variant is uncertain due to the absence of conclusive functional and genetic evidence.

Victorian Clinical Genetics Services, Murdoch Childrens Research Institute
Classification: Uncertain significance for Obesity due to prohormone convertase I deficiency. Last evaluated: 2024-10-09. Review status: criteria provided, single submitter. Criteria: ACMG Guidelines, 2015. Collection method: clinical testing. Allele origin: germline. Inheritance: Autosomal recessive inheritance. Affected: yes.
Comment: Based on the classification scheme VCGS_Germline_v1.3.4, this variant is classified as VUS-3A. Following criteria are met: 0102 - Loss of function is a known mechanism of disease in this gene and is associated with endocrinopathy due to proprotein convertase 1/3 deficiency (MIM#600955). (I) 0106 - This gene is associated with autosomal recessive disease. (I) 0200 - Variant is predicted to result in a missense amino acid change from glycine to arginine. (I) 0252 - This variant is homozygous. (I) 0304 - Variant is present in gnomAD (v2) <0.01 for a recessive condition (2 heterozygotes, 0 homozygotes). (SP) 0501 - Missense variant consistently predicted to be damaging by multiple in silico tools or highly conserved with a major amino acid change. (SP) 0600 - Variant is located in the annotated peptidase S8 domain (DECIPHER). (I) 0705 - No comparable missense variants have previous evidence for pathogenicity. (I) 0807 - This variant has no previous evidence of pathogenicity. (I) 0905 - No published segregation evidence has been identified for this variant. (I) 1007 - No published functional evidence has been identified for this variant. (I) 1209 - This variant has been shown to be both maternally and paternally inherited (biallelic by trio analysis). (I) Legend: (SP) - Supporting pathogenic, (I) - Information, (SB) - Supporting benign